The following is an entry in ClinVar:

NM_015100.4(POGZ):c.2771dup (p.Gln925fs)

Gene: POGZ (pogo transposable element derived with ZNF domain; minus strand). Cytogenetic location: 1q21.3.
Variant type: Duplication.
Coding change: c.2771dup on transcript NM_015100.4 (MANE Select); coding-DNA position 2771, one base duplicated (C; older notation c.2771dupC).
Protein change: p.Gln925fs; shifts the reading frame from glutamine 925.
Molecular consequence: frameshift variant.
Genome position (GRCh38, 1-based): chr1:151,406,264, G duplicated on the plus strand (C on the coding strand, the reverse complement: POGZ is on the minus strand); the first of 3 consecutive G bases (chr1:151,406,264-151,406,266); duplicating any one gives the same sequence. VCF-style (leftmost placement, unchanged base first): chr1-151406263-C-CG. GRCh37 (hg19) VCF-style: chr1-151378739-C-CG.
Other names: c.2744dup, p.Gln916fs (NM_001194937.2); c.2585dup, p.Gln863fs (NM_001194938.2); c.2792dup, p.Gln932fs (NM_001410860.1); c.2486dup, p.Gln830fs (NM_145796.4); c.2612dup, p.Gln872fs (NM_207171.2); short protein forms Q830fs, Q863fs, Q872fs, Q916fs, Q925fs, Q932fs.
Identifiers: ClinVar variation 3062289 (VCV003062289.1), dbSNP rs1553212868, ClinGen allele CA2740090363.

ClinVar aggregate classification (germline): Likely pathogenic (1 of 4 stars; one submission).

Conditions:
Intellectual disability-microcephaly-strabismus-behavioral abnormalities syndrome. Also called: White-Sutton Syndrome. Identifiers: Orphanet 468678, MedGen C4225351, MONDO:0014606, OMIM 616364.

Submission:

Molecular Genetics Department, Kulakov National Medical Research Center for Obstetrics, Gynecology and Perinatology
Classification: Likely pathogenic for Intellectual disability-microcephaly-strabismus-behavioral abnormalities syndrome. Review status: criteria provided, single submitter. Criteria: ACMG Guidelines, 2015. Collection method: clinical testing. Allele origin: germline. Affected: yes.
Comment: A previously undescribed nucleotide variant creates a frameshift p.Gln925AlafsTer19 in the POGZ gene. Loss-of-function variants are reported in patients with White-Sutton syndrome, 616364. The variant is not present in population database (gnomAD no frequency). In summary, the currently available evidence indicates that the variant is pathogenic, but additional data are needed to prove that conclusively. Therefore, this variant has been classified as likely pathogenic.